The following is an entry in ClinVar:

ClinVar aggregate classification (germline): Pathogenic (1 of 4 stars; one submission).

Conditions:
Ataxia-telangiectasia syndrome (AT). Also called: Cerebello-oculocutaneous telangiectasia; Immunodeficiency with ataxia telangiectasia; Ataxia-telangiectasia, complementation group D; AT, COMPLEMENTATION GROUP C; Ataxia-telangiectasia, complementation group E; LOUIS-BAR SYNDROME. Identifiers: Orphanet 100, MedGen C0004135, MONDO:0008840, OMIM 208900.

Submission:

Labcorp Genetics (formerly Invitae), Labcorp
Classification: Pathogenic for Ataxia-telangiectasia syndrome. Last evaluated: 2017-04-17. Review status: criteria provided, single submitter. Criteria: Invitae Variant Classification Sherloc (09022015). Collection method: clinical testing. Allele origin: germline.
Comment: For these reasons, this variant has been classified as Pathogenic. While this particular variant has not been reported in the literature, loss-of-function variants in ATM are known to be pathogenic (PMID: 25614872, 23807571). This sequence change deletes 4 nucleotides in exon 12 of the ATM mRNA (c.1839_1842delGAGT), causing a frameshift at codon 616. This creates a premature translational stop signal (p.Thr616*) and is expected to result in an absent or disrupted protein product.

Literature cited by the submitters: PubMed 25614872; PubMed 23807571.

NM_000051.4(ATM):c.1839_1842del (p.Leu615_Thr616insTer)

Gene: ATM (ATM serine/threonine kinase; plus strand). Cytogenetic location: 11q22.3.
Variant type: Deletion.
Coding change: c.1839_1842del on transcript NM_000051.4 (MANE Select); coding-DNA positions 1839 to 1842, 4 bases deleted (GAGT; older notation c.1839_1842delGAGT).
Protein change: p.Leu615_Thr616insTer.
Molecular consequence: frameshift variant.
Genome position (GRCh38, 1-based): chr11:108,252,853-108,252,856, GAGT deleted; deleting any 4 consecutive bases within chr11:108,252,851-108,252,856 gives the same sequence; the c. name uses the placement nearest the transcript's 3' end. VCF-style (leftmost placement, unchanged base first): chr11-108252850-TGTGA-T. GRCh37 (hg19) VCF-style: chr11-108123577-TGTGA-T.
Other names: c.1839_1842del, p.Leu615_Thr616insTer (NM_001351834.2); c.1839_1842delGAGT (NM_000051.3).
Identifiers: ClinVar variation 453389 (VCV000453389.7), dbSNP rs1555072480, ClinGen allele CA658656174.